The following is an entry in ClinVar:

NM_001845.6(COL4A1):c.3719C>A (p.Pro1240His)

Gene: COL4A1 (collagen type IV alpha 1 chain; minus strand). Cytogenetic location: 13q34.
Variant type: single nucleotide variant.
Coding change: c.3719C>A on transcript NM_001845.6 (MANE Select); coding-DNA position 3719, C replaced by A.
Protein change: p.Pro1240His; replaces proline 1240 with histidine.
Molecular consequence: missense variant.
Genome position (GRCh38, 1-based): chr13:110,170,570, G>T on the plus strand (C>A on the coding strand, the complement: COL4A1 is on the minus strand). VCF-style: chr13-110170570-G-T. GRCh37 (hg19) VCF-style: chr13-110822917-G-T.
Other names: c.3719C>A (NM_001845.4); short protein forms P1240H.
Identifiers: ClinVar variation 2643938 (VCV002643938.25), dbSNP rs374087869, ClinGen allele CA7047167.

ClinVar aggregate classification (germline): Uncertain significance. Review status: criteria provided, multiple submitters, no conflicts (2 of 4 stars). 2 submissions from 2 submitters: Uncertain significance (2). Last evaluated 2026-07-01.

Allele frequency attached by ClinVar (database versions not stated): gnomAD 0.00001; gnomAD exomes 0.00001; TOPMed 0.00001; ExAC 0.00002; ESP Exome Variant Server 0.00008.
gnomAD v4.1: 24 of 1,606,226 alleles (0.0015%); highest among the groups gnomAD compares: Non-Finnish European, 0.0018%; no homozygotes.

Submissions (2):

CeGaT Center for Human Genetics Tuebingen
Classification: Uncertain significance. Last evaluated: 2026-07-01. Review status: criteria provided, single submitter. Criteria: CeGaT Center For Human Genetics Tuebingen Variant Classification Criteria Version 2. Collection method: clinical testing. Allele origin: germline. Affected: yes. Observed: 2 variant alleles.
Comment: COL4A1: PM2

GeneDx
Classification: Uncertain significance. Last evaluated: 2024-01-18. Review status: criteria provided, single submitter. Criteria: GeneDx Variant Classification Process June 2021. Collection method: clinical testing. Allele origin: germline. Affected: yes.
Comment: In silico analysis supports that this missense variant does not alter protein structure/function; Has not been previously published as pathogenic or benign to our knowledge; Occurs in the triple helical domain at the X position in the canonical Gly-X-Y repeat; although this variant may have an effect on normal protein folding and function, missense substitution at the X position is not a common mechanism of disease